The following is an entry in ClinVar:

ClinVar aggregate classification (germline): Pathogenic. Review status: criteria provided, single submitter (1 of 4 stars). 2 submissions from 2 submitters: Pathogenic (1). 1 of the submissions does not count toward it. Last evaluated 2023-08-24.

Conditions:
LAMA2-related muscular dystrophy (LAMA2-RD). Also called: Laminin alpha 2-related dystrophy. Identifiers: MedGen C5679788, MONDO:0100228.
Merosin deficient congenital muscular dystrophy (MDC1A). Also called: Congenital merosin-deficient muscular dystrophy 1A; Congenital Muscular Dystrophy Type 1A (MDC1A). Identifiers: Orphanet 258, MedGen C1263858, MONDO:0011925, OMIM 607855.

Submissions (2):

Labcorp Genetics (formerly Invitae), Labcorp
Classification: Pathogenic for LAMA2-related muscular dystrophy. Last evaluated: 2023-08-24. Review status: criteria provided, single submitter. Criteria: Invitae Variant Classification Sherloc (09022015). Collection method: clinical testing. Allele origin: germline.
Comment: For these reasons, this variant has been classified as Pathogenic. ClinVar contains an entry for this variant (Variation ID: 550950). This premature translational stop signal has been observed in individual(s) with congenital muscular dystrophy (PMID: 9185182). This variant is present in population databases (rs757404275, gnomAD 0.0009%). This sequence change creates a premature translational stop signal (p.Tyr2307Leufs*2) in the LAMA2 gene. It is expected to result in an absent or disrupted protein product. Loss-of-function variants in LAMA2 are known to be pathogenic (PMID: 18700894, 32904964).

Counsyl
Classification: Likely pathogenic for Merosin deficient congenital muscular dystrophy. Last evaluated: 2017-03-02. Review status: no assertion criteria provided. Collection method: clinical testing. Allele origin: unknown. Not counted in ClinVar's aggregate classification.

Literature cited by the submitters: PubMed 9185182 (cited by Labcorp Genetics (formerly Invitae), Labcorp and Counsyl); PubMed 18700894 (cited by Labcorp Genetics (formerly Invitae), Labcorp); PubMed 32904964 (cited by Labcorp Genetics (formerly Invitae), Labcorp).

NM_000426.4(LAMA2):c.6919_6920del (p.Tyr2307fs)

Gene: LAMA2 (laminin subunit alpha 2; plus strand). Cytogenetic location: 6q22.33.
Variant type: Deletion.
Coding change: c.6919_6920del on transcript NM_000426.4 (MANE Select); coding-DNA positions 6919 to 6920, 2 bases deleted (TA; older notation c.6919_6920delTA).
Protein change: p.Tyr2307fs; shifts the reading frame from tyrosine 2307.
Molecular consequence: frameshift variant.
Genome position (GRCh38, 1-based): chr6:129,460,251-129,460,252, TA deleted; deleting any 2 consecutive bases within chr6:129,460,250-129,460,252 gives the same sequence; the c. name uses the placement nearest the transcript's 3' end. VCF-style (leftmost placement, unchanged base first): chr6-129460249-CAT-C. GRCh37 (hg19) VCF-style: chr6-129781394-CAT-C.
Other names: c.6919_6920delTA (NM_000426.3); c.6919_6920del, p.Tyr2307fs (NM_001079823.2); short protein forms Y2307fs.
Identifiers: ClinVar variation 550950 (VCV000550950.11), dbSNP rs757404275, ClinGen allele CA3994394.